The following is an entry in ClinVar:

ClinVar aggregate classification (germline): Uncertain significance (1 of 4 stars; one submission).

Conditions:
Kabuki syndrome. Also called: NIIKAWA-KUROKI SYNDROME; Kabuki make-up syndrome. Identifiers: Orphanet 2322, MedGen C0796004, MONDO:0016512.

Submission:

Labcorp Genetics (formerly Invitae), Labcorp
Classification: Uncertain significance for Kabuki syndrome. Last evaluated: 2022-02-24. Review status: criteria provided, single submitter. Criteria: Invitae Variant Classification Sherloc (09022015). Collection method: clinical testing. Allele origin: germline.
Comment: This sequence change replaces glutamic acid, which is acidic and polar, with lysine, which is basic and polar, at codon 888 of the KMT2D protein (p.Glu888Lys). This variant is not present in population databases (gnomAD no frequency). This variant has not been reported in the literature in individuals affected with KMT2D-related conditions. Advanced modeling of protein sequence and biophysical properties (such as structural, functional, and spatial information, amino acid conservation, physicochemical variation, residue mobility, and thermodynamic stability) performed at Invitae indicates that this missense variant is not expected to disrupt KMT2D protein function. In summary, the available evidence is currently insufficient to determine the role of this variant in disease. Therefore, it has been classified as a Variant of Uncertain Significance.

NM_003482.4(KMT2D):c.2662G>A (p.Glu888Lys)

Gene: KMT2D (lysine methyltransferase 2D; minus strand). Cytogenetic location: 12q13.12.
Variant type: single nucleotide variant.
Coding change: c.2662G>A on transcript NM_003482.4 (MANE Select); coding-DNA position 2662, G replaced by A.
Protein change: p.Glu888Lys; replaces glutamic acid 888 with lysine.
Molecular consequence: missense variant.
Genome position (GRCh38, 1-based): chr12:49,051,021, C>T on the plus strand (G>A on the coding strand, the complement: KMT2D is on the minus strand). VCF-style: chr12-49051021-C-T. GRCh37 (hg19) VCF-style: chr12-49444804-C-T.
Other names: short protein forms E888K.
Identifiers: ClinVar variation 2102887 (VCV002102887.4), dbSNP rs2120661828, ClinGen allele CA384665036.